The following is an entry in ClinVar:

NM_000059.4(BRCA2):c.-53C>T

Genes: BRCA2 (BRCA2 DNA repair associated; plus strand), LOC106721785 (BRCA2 promoter/silencer region; plus strand). Cytogenetic location: 13q13.1.
Variant type: single nucleotide variant.
Coding change: c.-53C>T on transcript NM_000059.4 (MANE Select); 53 bases upstream of the start codon, C replaced by T.
Molecular consequence: 5 prime UTR variant.
Genome position (GRCh38, 1-based): chr13:32,315,654, C>T. VCF-style: chr13-32315654-C-T. GRCh37 (hg19) VCF-style: chr13-32889791-C-T.
Identifiers: ClinVar variation 1038113 (VCV001038113.7), dbSNP rs2072248746, ClinGen allele CA2082772958.

ClinVar aggregate classification (germline): Uncertain significance (1 of 4 stars; one submission).

Conditions:
Hereditary breast ovarian cancer syndrome. Also called: Hereditary breast and ovarian cancer syndrome; Hereditary breast and ovarian cancer syndrome (HBOC); BRCA1- and BRCA2-Associated Hereditary Breast and Ovarian Cancer; Hereditary breast and ovarian cancer; Hereditary breast and/or ovarian cancer syndrome; Breast and ovarian cancer. Identifiers: Orphanet 145, MedGen C0677776, MeSH D061325, MONDO:0003582. Disease mechanism: loss of function.

Submission:

Labcorp Genetics (formerly Invitae), Labcorp
Classification: Uncertain significance for Hereditary breast ovarian cancer syndrome. Last evaluated: 2025-02-18. Review status: criteria provided, single submitter. Criteria: Invitae Variant Classification Sherloc (09022015). Collection method: clinical testing. Allele origin: germline.
Comment: This variant occurs in a non-coding region of the BRCA2 gene. It does not change the encoded amino acid sequence of the BRCA2 protein. This variant is not present in population databases (gnomAD no frequency). This variant has not been reported in the literature in individuals affected with BRCA2-related conditions. ClinVar contains an entry for this variant (Variation ID: 1038113). In summary, the available evidence is currently insufficient to determine the role of this variant in disease. Therefore, it has been classified as a Variant of Uncertain Significance.